The following is an entry in ClinVar:

NM_007194.4(CHEK2):c.1231T>G (p.Trp411Gly)

Gene: CHEK2 (checkpoint kinase 2; minus strand). Cytogenetic location: 22q12.1.
Variant type: single nucleotide variant.
Coding change: c.1231T>G on transcript NM_007194.4 (MANE Select); coding-DNA position 1231, T replaced by G.
Protein change: p.Trp411Gly; replaces tryptophan 411 with glycine.
Molecular consequence: missense variant.
Genome position (GRCh38, 1-based): chr22:28,695,738, A>C on the plus strand (T>G on the coding strand, the complement: CHEK2 is on the minus strand). VCF-style: chr22-28695738-A-C. GRCh37 (hg19) VCF-style: chr22-29091726-A-C.
Other names: c.1360T>G, p.Trp454Gly (NM_001005735.3); c.568T>G, p.Trp190Gly (NM_001257387.3); c.1030T>G, p.Trp344Gly (NM_001349956.3); c.1144T>G, p.Trp382Gly (NM_145862.3); short protein forms W411G, W190G, W344G, W454G, W382G.
Identifiers: ClinVar variation 240733 (VCV000240733.19), dbSNP rs587780172, ClinGen allele CA10583900.

ClinVar aggregate classification (germline): Uncertain significance. Review status: criteria provided, multiple submitters, no conflicts (2 of 4 stars). 4 submissions from 4 submitters: Uncertain significance (4). Last evaluated 2025-09-03.

Conditions:
Hereditary cancer-predisposing syndrome. Also called: Tumor predisposition; Neoplastic Syndromes, Hereditary; Hereditary Cancer Syndrome; Hereditary neoplastic syndrome. Identifiers: Orphanet 140162, MedGen C0027672, MeSH D009386, MONDO:0015356.
Familial cancer of breast. Also called: Hereditary breast cancer; BREAST CANCER, FAMILIAL; hereditary breast carcinoma. Identifiers: Orphanet 227535, MedGen C0346153, MONDO:0016419, OMIM 114480. Disease mechanism: loss of function.

Submissions (4):

Labcorp Genetics (formerly Invitae), Labcorp
Classification: Uncertain significance for Familial cancer of breast. Last evaluated: 2025-09-03. Review status: criteria provided, single submitter. Criteria: Invitae Variant Classification Sherloc (09022015). Collection method: clinical testing. Allele origin: germline.
Comment: This sequence change replaces tryptophan, which is neutral and slightly polar, with glycine, which is neutral and non-polar, at codon 411 of the CHEK2 protein (p.Trp411Gly). This variant is not present in population databases (gnomAD no frequency). This variant has not been reported in the literature in individuals affected with CHEK2-related conditions. ClinVar contains an entry for this variant (Variation ID: 240733). An algorithm developed to predict the effect of missense changes on protein structure and function (PolyPhen-2) suggests that this variant is likely to be disruptive. In summary, the available evidence is currently insufficient to determine the role of this variant in disease. Therefore, it has been classified as a Variant of Uncertain Significance.

Ambry Genetics
Classification: Uncertain significance for Hereditary cancer-predisposing syndrome. Last evaluated: 2024-05-02. Review status: criteria provided, single submitter. Criteria: Ambry Variant Classification Scheme 2023. Collection method: clinical testing. Allele origin: germline.
Comment: The p.W411G variant (also known as c.1231T>G), located in coding exon 10 of the CHEK2 gene, results from a T to G substitution at nucleotide position 1231. The tryptophan at codon 411 is replaced by glycine, an amino acid with highly dissimilar properties. This amino acid position is highly conserved in available vertebrate species. In addition, this alteration is predicted to be deleterious by in silico analysis. Since supporting evidence is limited at this time, the clinical significance of this alteration remains unclear.

Color Diagnostics, LLC DBA Color Health
Classification: Uncertain significance for Hereditary cancer-predisposing syndrome. Last evaluated: 2023-12-05. Review status: criteria provided, single submitter. Criteria: ACMG Guidelines, 2015. Collection method: clinical testing. Allele origin: germline.
Comment: This missense variant replaces tryptophan with glycine at codon 411 of the CHEK2 protein. Computational prediction suggests that this variant may have deleterious impact on protein structure and function (internally defined REVEL score threshold >= 0.7, PMID: 27666373). To our knowledge, functional studies have not been reported for this variant. This variant has not been reported in individuals affected with CHEK2-related disorders in the literature. This variant has not been identified in the general population by the Genome Aggregation Database (gnomAD). The available evidence is insufficient to determine the role of this variant in disease conclusively. Therefore, this variant is classified as a Variant of Uncertain Significance.

Baylor Genetics
Classification: Uncertain significance for Familial cancer of breast. Last evaluated: 2023-08-25. Review status: criteria provided, single submitter. Criteria: ACMG Guidelines, 2015. Collection method: clinical testing. Allele origin: unknown.